The following is an entry in ClinVar:

NM_002439.5(MSH3):c.2968_2969delinsTT (p.Ala990Phe)

Gene: MSH3 (mutS homolog 3; plus strand). Cytogenetic location: 5q14.1.
Variant type: Indel.
Coding change: c.2968_2969delinsTT on transcript NM_002439.5 (MANE Select); coding-DNA positions 2968 to 2969, GC replaced by TT.
Protein change: p.Ala990Phe; replaces alanine 990 with phenylalanine.
Molecular consequence: missense variant.
Genome position (GRCh38, 1-based): chr5:80,854,284-80,854,285, GC replaced by TT. VCF-style: chr5-80854284-GC-TT. GRCh37 (hg19) VCF-style: chr5-80150103-GC-TT.
Other names: short protein forms A990F.
Identifiers: ClinVar variation 1043840 (VCV001043840.7), dbSNP rs1745880202, ClinGen allele CA1558578729.
Genomic context (GRCh38, chr5:80,854,284, plus strand): 5'-TCCTTGGTTATCTTGGATGAACTAGGAAGAGGGACGAGCACTCATGATGGAATTGCCATT[GC>TT]CTATGCTACACTTGAGTATTTCATCAGAGATGTAAGTATCCGGTAAACTGTATTTAAAAA-3'
Protein context (NP_002430.3, residues 980-1000): GTSTHDGIAI[Ala990Phe]YATLEYFIRD

ClinVar aggregate classification (germline): Uncertain significance (1 of 4 stars; one submission).

Submission:

Labcorp Genetics (formerly Invitae), Labcorp
Classification: Uncertain significance. Last evaluated: 2020-08-06. Review status: criteria provided, single submitter. Criteria: Invitae Variant Classification Sherloc (09022015). Collection method: clinical testing. Allele origin: germline.
Comment: This sequence change replaces alanine with phenylalanine at codon 990 of the MSH3 protein (p.Ala990Phe). The alanine residue is highly conserved and there is a moderate physicochemical difference between alanine and phenylalanine. The frequency data for this variant in the population databases is not available, as this variant may be reported as separate entries in the ExAC database. This variant has not been reported in the literature in individuals with MSH3-related conditions. Algorithms developed to predict the effect of missense changes on protein structure and function are either unavailable or do not agree on the potential impact of this missense change (SIFT: "Not Available"; PolyPhen-2: "Probably Damaging"; Align-GVGD: "Not Available"). In summary, the available evidence is currently insufficient to determine the role of this variant in disease. Therefore, it has been classified as a Variant of Uncertain Significance.